The following is an entry in ClinVar:

ClinVar aggregate classification (germline): Pathogenic (1 of 4 stars; one submission).

Conditions:
Familial thoracic aortic aneurysm and aortic dissection (TAAD). Also called: Thoracic aortic aneurysms and dissections. Identifiers: Orphanet 91387, MedGen C4707243, MONDO:0019625.

Submission:

Ambry Genetics
Classification: Pathogenic for Familial thoracic aortic aneurysm and aortic dissection. Last evaluated: 2017-12-12. Review status: criteria provided, single submitter. Criteria: Ambry Variant Classification Scheme 2023. Collection method: clinical testing. Allele origin: germline.
Comment: The c.1878delG pathogenic mutation, located in coding exon 15 of the FBN1 gene, results from a deletion of one nucleotide at nucleotide position 1878, causing a translational frameshift with a predicted alternate stop codon (p.R627Vfs*91). This alteration has been reported in individuals with Marfan syndrome (Sakai H et al. Hum. Genet., 2012 Apr;131:591-9; Wooderchak-Donahue W et al. Am. J. Med. Genet. A, 2015 Aug;167A:1747-57). In addition to the clinical data presented in the literature, this alteration is expected to result in loss of function by premature protein truncation or nonsense-mediated mRNA decay. As such, this alteration is interpreted as a disease-causing mutation.

Literature cited by the submitters: PubMed 22001912; PubMed 25944730.

NM_000138.5(FBN1):c.1878del (p.Arg627fs)

Gene: FBN1 (fibrillin 1; minus strand). Cytogenetic location: 15q21.1.
Variant type: Deletion.
Coding change: c.1878del on transcript NM_000138.5 (MANE Select); coding-DNA position 1878, one base deleted (G; older notation c.1878delG).
Protein change: p.Arg627fs; shifts the reading frame from arginine 627.
Molecular consequence: frameshift variant.
Genome position (GRCh38, 1-based): chr15:48,505,107, C deleted on the plus strand (G on the coding strand, the reverse complement: FBN1 is on the minus strand); the first of 3 consecutive C bases (chr15:48,505,107-48,505,109); deleting any one gives the same sequence. VCF-style (leftmost placement, unchanged base first): chr15-48505106-GC-G. GRCh37 (hg19) VCF-style: chr15-48797303-GC-G.
Other names: c.1876delG, p.Arg627Valfs (NM_001406716.1); c.1878delG (NM_000138.4); short protein forms R627fs.
Identifiers: ClinVar variation 1781820 (VCV001781820.2), dbSNP rs2505595109, ClinGen allele CA2580089626.